The following is an entry in ClinVar:

NM_032380.5(GFM2):c.1777G>T (p.Val593Leu)

Gene: GFM2 (GTP dependent ribosome recycling factor mitochondrial 2; minus strand). Cytogenetic location: 5q13.3.
Variant type: single nucleotide variant.
Coding change: c.1777G>T on transcript NM_032380.5 (MANE Select); coding-DNA position 1777, G replaced by T.
Protein change: p.Val593Leu; replaces valine 593 with leucine.
Molecular consequence: missense variant. On other transcripts: non-coding transcript variant (1).
Genome position (GRCh38, 1-based): chr5:74,726,076, C>A on the plus strand (G>T on the coding strand, the complement: GFM2 is on the minus strand). VCF-style: chr5-74726076-C-A. GRCh37 (hg19) VCF-style: chr5-74021901-C-A.
Other names: c.1873G>T, p.Val625Leu (NM_001281302.2); c.1636G>T, p.Val546Leu (NM_170691.3); short protein forms V546L, V593L, V625L.
Identifiers: ClinVar variation 2056833 (VCV002056833.4), dbSNP rs763385749, ClinGen allele CA3306432.

ClinVar aggregate classification (germline): Uncertain significance (1 of 4 stars; one submission).

Allele frequency attached by ClinVar (database versions not stated): ExAC 0.00001.

Submission:

Labcorp Genetics (formerly Invitae), Labcorp
Classification: Uncertain significance. Last evaluated: 2024-02-24. Review status: criteria provided, single submitter. Criteria: Invitae Variant Classification Sherloc (09022015). Collection method: clinical testing. Allele origin: germline.
Comment: This sequence change replaces valine, which is neutral and non-polar, with leucine, which is neutral and non-polar, at codon 593 of the GFM2 protein (p.Val593Leu). The frequency data for this variant in the population databases is considered unreliable, as metrics indicate poor data quality at this position in the gnomAD database. This variant has not been reported in the literature in individuals affected with GFM2-related conditions. ClinVar contains an entry for this variant (Variation ID: 2056833). Advanced modeling of protein sequence and biophysical properties (such as structural, functional, and spatial information, amino acid conservation, physicochemical variation, residue mobility, and thermodynamic stability) performed at Invitae indicates that this missense variant is not expected to disrupt GFM2 protein function with a negative predictive value of 80%. In summary, the available evidence is currently insufficient to determine the role of this variant in disease. Therefore, it has been classified as a Variant of Uncertain Significance.